The following is an entry in ClinVar:

NM_000170.3(GLDC):c.2579del (p.Gly860fs)

Gene: GLDC (glycine decarboxylase; minus strand). Cytogenetic location: 9p24.1.
Variant type: Deletion.
Coding change: c.2579del on transcript NM_000170.3 (MANE Select); coding-DNA position 2579, one base deleted (G; older notation c.2579delG).
Protein change: p.Gly860fs; shifts the reading frame from glycine 860.
Molecular consequence: frameshift variant.
Genome position (GRCh38, 1-based): chr9:6,540,137, C deleted on the plus strand (G on the coding strand, the reverse complement: GLDC is on the minus strand); the first of 3 consecutive C bases (chr9:6,540,137-6,540,139); deleting any one gives the same sequence. VCF-style (leftmost placement, unchanged base first): chr9-6540136-AC-A. GRCh37 (hg19) VCF-style: chr9-6540136-AC-A.
Other names: short protein forms G860fs.
Identifiers: ClinVar variation 3626802 (VCV003626802.2).

ClinVar aggregate classification (germline): Pathogenic (1 of 4 stars; one submission).

Conditions:
Glycine encephalopathy. Also called: Nonketotic hyperglycinemia; Non-ketotic hyperglycinemia. Identifiers: Orphanet 407, MedGen C0751748, MONDO:0011612, HP:0008288.

Submission:

Labcorp Genetics (formerly Invitae), Labcorp
Classification: Pathogenic for Glycine encephalopathy. Last evaluated: 2024-08-31. Review status: criteria provided, single submitter. Criteria: Invitae Variant Classification Sherloc (09022015). Collection method: clinical testing. Allele origin: germline.
Comment: This sequence change creates a premature translational stop signal (p.Gly860Valfs*64) in the GLDC gene. It is expected to result in an absent or disrupted protein product. Loss-of-function variants in GLDC are known to be pathogenic (PMID: 16601880). This variant is not present in population databases (gnomAD no frequency). This variant has not been reported in the literature in individuals affected with GLDC-related conditions. For these reasons, this variant has been classified as Pathogenic.

Literature cited by the submitters: PubMed 16601880.